The following is an entry in ClinVar:

ClinVar aggregate classification (germline): Uncertain significance (1 of 4 stars; one submission).

Conditions:
Cardiovascular phenotype. Identifiers: MedGen CN230736.

Allele frequency attached by ClinVar (database versions not stated): TOPMed 0.00001.

Submission:

Ambry Genetics
Classification: Uncertain significance for Cardiovascular phenotype. Last evaluated: 2022-04-19. Review status: criteria provided, single submitter. Criteria: Ambry Variant Classification Scheme 2023. Collection method: clinical testing. Allele origin: germline.
Comment: The p.V1630F variant (also known as c.4888G>T), located in coding exon 12 of the TNXB gene, results from a G to T substitution at nucleotide position 4888. The valine at codon 1630 is replaced by phenylalanine, an amino acid with highly similar properties. This amino acid position is conserved. In addition, this alteration is predicted to be tolerated by in silico analysis. Since supporting evidence is limited at this time, the clinical significance of this alteration remains unclear.

NM_001365276.2(TNXB):c.4888G>T (p.Val1630Phe)

Gene: TNXB (tenascin XB; minus strand). Cytogenetic location: 6p21.33.
Variant type: single nucleotide variant.
Coding change: c.4888G>T on transcript NM_001365276.2 (MANE Select); coding-DNA position 4888, G replaced by T.
Protein change: p.Val1630Phe; replaces valine 1630 with phenylalanine.
Molecular consequence: missense variant.
Genome position (GRCh38, 1-based): chr6:32,072,092, C>A on the plus strand (G>T on the coding strand, the complement: TNXB is on the minus strand). VCF-style: chr6-32072092-C-A. GRCh37 (hg19) VCF-style: chr6-32039869-C-A.
Other names: c.4888G>T, p.Val1630Phe (NM_019105.8); short protein forms V1630F.
Identifiers: ClinVar variation 1743830 (VCV001743830.3), dbSNP rs1778807529, ClinGen allele CA363419779.